The following is an entry in ClinVar:

ClinVar aggregate classification (germline): Uncertain significance (1 of 4 stars; one submission).

Allele frequency attached by ClinVar (database versions not stated): gnomAD exomes below 0.00001; TOPMed below 0.00001; ExAC 0.00001; gnomAD 0.00001.
gnomAD v4.1: 2 of 1,614,100 alleles (0.00012%); highest among the groups gnomAD compares: Admixed American, 0.0033%; no homozygotes.

Submission:

Labcorp Genetics (formerly Invitae), Labcorp
Classification: Uncertain significance. Last evaluated: 2024-02-26. Review status: criteria provided, single submitter. Criteria: Invitae Variant Classification Sherloc (09022015). Collection method: clinical testing. Allele origin: germline.
Comment: This sequence change replaces isoleucine, which is neutral and non-polar, with phenylalanine, which is neutral and non-polar, at codon 263 of the CSGALNACT1 protein (p.Ile263Phe). This variant is present in population databases (rs780751251, gnomAD 0.003%). This variant has not been reported in the literature in individuals affected with CSGALNACT1-related conditions. ClinVar contains an entry for this variant (Variation ID: 2067913). Advanced modeling of protein sequence and biophysical properties (such as structural, functional, and spatial information, amino acid conservation, physicochemical variation, residue mobility, and thermodynamic stability) performed at Invitae indicates that this missense variant is expected to disrupt CSGALNACT1 protein function with a positive predictive value of 80%. In summary, the available evidence is currently insufficient to determine the role of this variant in disease. Therefore, it has been classified as a Variant of Uncertain Significance.

NM_001354483.2(CSGALNACT1):c.787A>T (p.Ile263Phe)

Gene: CSGALNACT1 (chondroitin sulfate N-acetylgalactosaminyltransferase 1; minus strand). Cytogenetic location: 8p21.3.
Variant type: single nucleotide variant.
Coding change: c.787A>T on transcript NM_001354483.2 (MANE Select); coding-DNA position 787, A replaced by T.
Protein change: p.Ile263Phe; replaces isoleucine 263 with phenylalanine.
Molecular consequence: missense variant. On other transcripts: non-coding transcript variant (7).
Genome position (GRCh38, 1-based): chr8:19,458,490, T>A on the plus strand (A>T on the coding strand, the complement: CSGALNACT1 is on the minus strand). VCF-style: chr8-19458490-T-A. GRCh37 (hg19) VCF-style: chr8-19316001-T-A.
Other names: c.787A>T, p.Ile263Phe (NM_001130518.2, NM_001354475.2, NM_001354476.2 and 18 more transcripts); short protein forms I263F.
Identifiers: ClinVar variation 2067913 (VCV002067913.4), dbSNP rs780751251, ClinGen allele CA4654115.